The following is an entry in ClinVar:

NM_152281.3(GORAB):c.164A>G (p.Asp55Gly)

Gene: GORAB (golgin, RAB6 interacting; plus strand). Cytogenetic location: 1q24.2.
Variant type: single nucleotide variant.
Coding change: c.164A>G on transcript NM_152281.3 (MANE Select); coding-DNA position 164, A replaced by G.
Protein change: p.Asp55Gly; replaces aspartic acid 55 with glycine.
Molecular consequence: missense variant. On other transcripts: 5 prime UTR variant (1), non-coding transcript variant (1).
Genome position (GRCh38, 1-based): chr1:170,539,312, A>G. VCF-style: chr1-170539312-A-G. GRCh37 (hg19) VCF-style: chr1-170508453-A-G.
Other names: c.164A>G, p.Asp55Gly (NM_001146039.2); c.-302A>G (NM_001320252.2); short protein forms D55G.
Identifiers: ClinVar variation 1493579 (VCV001493579.3), dbSNP rs1449481527, ClinGen allele CA343162066.

ClinVar aggregate classification (germline): Uncertain significance (1 of 4 stars; one submission).

Submission:

Labcorp Genetics (formerly Invitae), Labcorp
Classification: Uncertain significance. Last evaluated: 2022-09-27. Review status: criteria provided, single submitter. Criteria: Invitae Variant Classification Sherloc (09022015). Collection method: clinical testing. Allele origin: germline.
Comment: This sequence change replaces aspartic acid, which is acidic and polar, with glycine, which is neutral and non-polar, at codon 80 of the GORAB protein (p.Asp80Gly). This variant is present in population databases (no rsID available, gnomAD 0.007%). This variant has not been reported in the literature in individuals affected with GORAB-related conditions. ClinVar contains an entry for this variant (Variation ID: 1493579). Algorithms developed to predict the effect of missense changes on protein structure and function output the following: SIFT: "Tolerated"; PolyPhen-2: "Benign"; Align-GVGD: "Class C0". The glycine amino acid residue is found in multiple mammalian species, which suggests that this missense change does not adversely affect protein function. Algorithms developed to predict the effect of sequence changes on RNA splicing suggest that this variant may create or strengthen a splice site. In summary, the available evidence is currently insufficient to determine the role of this variant in disease. Therefore, it has been classified as a Variant of Uncertain Significance.